The following is an entry in ClinVar:

NM_152327.5(AK7):c.1555+3A>G

Gene: AK7 (adenylate kinase 7; plus strand). Cytogenetic location: 14q32.2.
Variant type: single nucleotide variant.
Coding change: c.1555+3A>G on transcript NM_152327.5 (MANE Select); 3 bases into the intron after coding-DNA position 1555, A replaced by G.
Molecular consequence: intron variant.
Genome position (GRCh38, 1-based): chr14:96,472,758, A>G. VCF-style: chr14-96472758-A-G. GRCh37 (hg19) VCF-style: chr14-96939095-A-G.
Other names: c.1486+1152A>G (NM_001350888.2, NM_001350890.2); c.1358-5707A>G (NM_001350892.2); c.1477+3A>G (NM_001350891.2).
Identifiers: ClinVar variation 2172883 (VCV002172883.2), dbSNP rs772849699, ClinGen allele CA7337874.

ClinVar aggregate classification (germline): Uncertain significance (1 of 4 stars; one submission).

Allele frequency attached by ClinVar (database versions not stated): TOPMed 0.00002; gnomAD 0.00003; ExAC 0.00005; gnomAD exomes 0.00006.
gnomAD v4.1: 93 of 1,607,368 alleles (0.0058%); highest among the groups gnomAD compares: Non-Finnish European, 0.0074%; 1 homozygote.

Submission:

Labcorp Genetics (formerly Invitae), Labcorp
Classification: Uncertain significance. Last evaluated: 2022-10-19. Review status: criteria provided, single submitter. Criteria: Invitae Variant Classification Sherloc (09022015). Collection method: clinical testing. Allele origin: germline.
Comment: In summary, the available evidence is currently insufficient to determine the role of this variant in disease. Therefore, it has been classified as a Variant of Uncertain Significance. Variants that disrupt the consensus splice site are a relatively common cause of aberrant splicing (PMID: 17576681, 9536098). Algorithms developed to predict the effect of sequence changes on RNA splicing suggest that this variant is not likely to affect RNA splicing. This variant has not been reported in the literature in individuals affected with AK7-related conditions. This variant is present in population databases (rs772849699, gnomAD 0.008%). This sequence change falls in intron 14 of the AK7 gene. It does not directly change the encoded amino acid sequence of the AK7 protein. It affects a nucleotide within the consensus splice site.

Literature cited by the submitters: PubMed 17576681; PubMed 9536098.